The following is an entry in ClinVar:

ClinVar aggregate classification (germline): Likely benign (1 of 4 stars; one submission).

Submission:

Center for Genomic Medicine, Rigshospitalet, Copenhagen University Hospital
Classification: Likely benign. Last evaluated: 2025-12-29. Review status: criteria provided, single submitter. Criteria: ACMG Guidelines, 2015. Collection method: clinical testing. Allele origin: germline.
Comment: Classification criteria: BP4, BP7

NM_000038.6(APC):c.4140C>A (p.Thr1380=)

Gene: APC (APC regulator of Wnt signaling pathway; plus strand). Cytogenetic location: 5q22.2.
Variant type: single nucleotide variant.
Coding change: c.4140C>A on transcript NM_000038.6 (MANE Select); coding-DNA position 4140, C replaced by A.
Protein change: p.Thr1380=; no amino-acid change (threonine 1380 retained).
Molecular consequence: synonymous variant. On other transcripts: non-coding transcript variant (2).
Genome position (GRCh38, 1-based): chr5:112,839,734, C>A. VCF-style: chr5-112839734-C-A. GRCh37 (hg19) VCF-style: chr5-112175431-C-A.
Other names: c.4140C>A, p.Thr1380= (NM_001354895.2, NM_001407450.1, NM_001127510.3); c.4194C>A, p.Thr1398= (NM_001354896.2, NM_001407447.1, NM_001407448.1 and 1 more transcripts); c.4170C>A, p.Thr1390= (NM_001354897.2); c.4065C>A, p.Thr1355= (NM_001354898.2); c.4056C>A, p.Thr1352= (NM_001354899.2); c.4017C>A, p.Thr1339= (NM_001354900.2); c.3963C>A, p.Thr1321= (NM_001354901.2, NM_001407453.1); c.3867C>A, p.Thr1289= (NM_001354902.2); and 11 more.
Identifiers: ClinVar variation 4539459 (VCV004539459.1).